The following is an entry in ClinVar:

NM_005921.2(MAP3K1):c.249A>T (p.Ser83=)

Genes: MAP3K1 (mitogen-activated protein kinase kinase kinase 1; plus strand), LOC129993918 (ATAC-STARR-seq lymphoblastoid silent region 16021; plus strand). Cytogenetic location: 5q11.2.
Variant type: single nucleotide variant.
Coding change: c.249A>T on transcript NM_005921.2 (MANE Select); coding-DNA position 249, A replaced by T.
Protein change: p.Ser83=; no amino-acid change (serine 83 retained).
Molecular consequence: synonymous variant.
Genome position (GRCh38, 1-based): chr5:56,815,822, A>T. VCF-style: chr5-56815822-A-T. GRCh37 (hg19) VCF-style: chr5-56111649-A-T.
Other names: c.249A>T (NM_005921.1).
Identifiers: ClinVar variation 2655468 (VCV002655468.25), dbSNP rs1284602674, ClinGen allele CA444403349.

ClinVar aggregate classification (germline): Likely benign. Review status: criteria provided, multiple submitters, no conflicts (2 of 4 stars). 2 submissions from 2 submitters: Likely benign (2). Last evaluated 2025-06-10.

Conditions:
MAP3K1-related disorder. Also called: MAP3K1-related condition.

Allele frequency attached by ClinVar (database versions not stated): gnomAD 0.00001.
gnomAD v4.1: 6 of 1,416,810 alleles (0.00042%); highest among the groups gnomAD compares: Non-Finnish European, 0.00046%; no homozygotes.

Submissions (2):

PreventionGenetics, part of Exact Sciences
Classification: Likely benign for MAP3K1-related condition. Last evaluated: 2025-06-10. Review status: criteria provided, single submitter. Criteria: ACMG Guidelines, 2015. Collection method: clinical testing. Allele origin: germline.
Comment: This variant is classified as likely benign based on ACMG/AMP sequence variant interpretation guidelines (Richards et al. 2015 PMID: 25741868, with internal and published modifications).

CeGaT Center for Human Genetics Tuebingen
Classification: Likely benign. Last evaluated: 2022-12-01. Review status: criteria provided, single submitter. Criteria: CeGaT Center For Human Genetics Tuebingen Variant Classification Criteria Version 2. Collection method: clinical testing. Allele origin: germline. Affected: yes. Observed: 1 variant allele.
Comment: MAP3K1: BP4, BP7